The following is an entry in ClinVar:

ClinVar aggregate classification (germline): Uncertain significance. Review status: criteria provided, multiple submitters, no conflicts (2 of 4 stars). 2 submissions from 2 submitters: Uncertain significance (2). Last evaluated 2025-09-08.

Conditions:
Long QT syndrome (LQTS). Identifiers: MedGen C0023976, MeSH D008133, MONDO:0002442. Disease mechanism: loss of function. Inheritance: Various modes of inheritance.

Allele frequency attached by ClinVar (database versions not stated): ExAC 0.00003.

Submissions (2):

Labcorp Genetics (formerly Invitae), Labcorp
Classification: Uncertain significance for Long QT syndrome. Last evaluated: 2025-09-08. Review status: criteria provided, single submitter. Criteria: Invitae Variant Classification Sherloc (09022015). Collection method: clinical testing. Allele origin: germline.
Comment: This sequence change replaces aspartic acid, which is acidic and polar, with glycine, which is neutral and non-polar, at codon 649 of the KCNQ1 protein (p.Asp649Gly). This variant is present in population databases (rs750497817, gnomAD 0.02%). This variant has not been reported in the literature in individuals affected with KCNQ1-related conditions. ClinVar contains an entry for this variant (Variation ID: 3075255). Invitae Evidence Modeling of protein sequence and biophysical properties (such as structural, functional, and spatial information, amino acid conservation, physicochemical variation, residue mobility, and thermodynamic stability) indicates that this missense variant is not expected to disrupt KCNQ1 protein function with a negative predictive value of 95%. In summary, the available evidence is currently insufficient to determine the role of this variant in disease. Therefore, it has been classified as a Variant of Uncertain Significance.

All of Us Research Program, National Institutes of Health
Classification: Uncertain significance for Long QT syndrome. Last evaluated: 2024-01-03. Review status: criteria provided, single submitter. Criteria: ACMG Guidelines, 2015. Collection method: clinical testing. Allele origin: germline. Inheritance: Autosomal dominant inheritance. Observed: 1 variant allele, 1 heterozygote.
Comment: This missense variant replaces aspartic acid with glycine at codon 649 of the KCNQ1 protein. Computational prediction tools indicate that this variant's impact on protein structure and function is inconclusive. This variant is found within a highly conserved C-terminus region (a.a. 608-676). Rare non-truncating variants in this region have been shown to be significantly overrepresented in individuals with long QT syndrome (PMID: 32893267). To our knowledge, functional studies have not been reported for this variant. This variant has been reported in an individual suspected of being affected with epilepsy (PMID: 31696929). This variant has been identified in 2/187102 chromosomes in the general population by the Genome Aggregation Database (gnomAD). The available evidence is insufficient to determine the role of this variant in disease conclusively. Therefore, this variant is classified as a Variant of Uncertain Significance.

This study involves interpretation of variants in research participants for the purpose of population health screening. Participant phenotype was not available at the time of variant classification. Additional details can be found in publication PMID: 35346344, PMCID: PMC8962531

Literature cited by the submitters: PubMed 31696929 (cited by All of Us Research Program, National Institutes of Health); PubMed 32893267 (cited by All of Us Research Program, National Institutes of Health).

NM_000218.3(KCNQ1):c.1946A>G (p.Asp649Gly)

Genes: KCNQ1 (potassium voltage-gated channel subfamily Q member 1; plus strand), KCNQ1-AS1 (KCNQ1 antisense RNA 1; minus strand). Cytogenetic location: 11p15.4.
Variant type: single nucleotide variant.
Coding change: c.1946A>G on transcript NM_000218.3 (MANE Select); coding-DNA position 1946, A replaced by G.
Protein change: p.Asp649Gly; replaces aspartic acid 649 with glycine.
Molecular consequence: missense variant.
Genome position (GRCh38, 1-based): chr11:2,847,918, A>G. VCF-style: chr11-2847918-A-G. GRCh37 (hg19) VCF-style: chr11-2869148-A-G.
Other names: c.1850A>G, p.Asp617Gly (NM_001406836.1); c.1676A>G, p.Asp559Gly (NM_001406837.1); c.1406A>G, p.Asp469Gly (NM_001406838.1); c.458A>G, p.Asp153Gly (NM_001406839.1); c.1565A>G, p.Asp522Gly (NM_181798.2); short protein forms D153G, D469G, D522G, D559G, D617G, D649G.
Identifiers: ClinVar variation 3075255 (VCV003075255.2), dbSNP rs750497817, ClinGen allele CA033886.
Genomic context (GRCh38, chr11:2,847,918, plus strand): 5'-GCCCCCCCAGAGAGGGCGGGGCCCACATCACCCAGCCCTGCGGCAGTGGCGGCTCCGTCG[A>G]CCCTGAGCTCTTCCTGCCCAGCAACACCCTGCCCACCTACGAGCAGCTGACCGTGCCCAG-3'
Protein context (NP_000209.2, residues 639-659): TQPCGSGGSV[Asp649Gly]PELFLPSNTL